The following is an entry in ClinVar:

ClinVar aggregate classification (germline): Conflicting classifications of pathogenicity. Review status: criteria provided, conflicting classifications (1 of 4 stars). 3 submissions from 3 submitters: Uncertain significance (1); Likely benign (1). 1 of the submissions does not count toward it. Last evaluated 2025-09-15.

Conditions:
Inborn genetic diseases. Identifiers: MedGen C0950123, MeSH D030342.
LAMA5-related disorder. Also called: LAMA5-Related Disorders; LAMA5-related condition.

Allele frequency attached by ClinVar (database versions not stated): 1000 Genomes Project 0.00020; ExAC 0.00021; 1000 Genomes Project 30x 0.00031; gnomAD 0.00093; TOPMed 0.00107; ESP Exome Variant Server 0.00146.
gnomAD v4.1: 323 of 1,613,194 alleles (0.02%); highest among the groups gnomAD compares: African/African-American, 0.33%; 4 homozygotes.

Submissions (3):

Labcorp Genetics (formerly Invitae), Labcorp
Classification: Likely benign. Last evaluated: 2025-09-15. Review status: criteria provided, single submitter. Criteria: Invitae Variant Classification Sherloc (09022015). Collection method: clinical testing. Allele origin: germline.

Ambry Genetics
Classification: Uncertain significance for Inborn genetic diseases. Last evaluated: 2024-02-14. Review status: criteria provided, single submitter. Criteria: Ambry Variant Classification Scheme 2023. Collection method: clinical testing. Allele origin: germline.

PreventionGenetics, part of Exact Sciences
Classification: Likely benign for LAMA5-related condition. Last evaluated: 2021-09-09. Review status: no assertion criteria provided. Collection method: clinical testing. Allele origin: germline. Not counted in ClinVar's aggregate classification.
Comment: This variant is classified as likely benign based on ACMG/AMP sequence variant interpretation guidelines (Richards et al. 2015 PMID: 25741868, with internal and published modifications).

NM_005560.6(LAMA5):c.4832G>A (p.Ser1611Asn)

Gene: LAMA5 (laminin subunit alpha 5; minus strand). Cytogenetic location: 20q13.33.
Variant type: single nucleotide variant.
Coding change: c.4832G>A on transcript NM_005560.6 (MANE Select); coding-DNA position 4832, G replaced by A.
Protein change: p.Ser1611Asn; replaces serine 1611 with asparagine.
Molecular consequence: missense variant.
Genome position (GRCh38, 1-based): chr20:62,327,635, C>T on the plus strand (G>A on the coding strand, the complement: LAMA5 is on the minus strand). VCF-style: chr20-62327635-C-T. GRCh37 (hg19) VCF-style: chr20-60902691-C-T.
Other names: c.4832G>A (NM_005560.4); short protein forms S1611N.
Identifiers: ClinVar variation 2069563 (VCV002069563.7), dbSNP rs113371619, ClinGen allele CA9942457.
Genomic context (GRCh38, chr20:62,327,635, plus strand): 5'-AAGCAGAAGCAGCGGGTGCAACCTTTGGGGTTGGCAGCATCCAGTGAGAAGGTCCCAAGG[C>T]TGCACTGGTCACATTTGGGGCCCTGCACGTTCTCCTAGGGATGAGAGGACAGTGAGAGTG-3'
Protein context (NP_005551.3, residues 1601-1621): NVQGPKCDQC[Ser1611Asn]LGTFSLDAAN